The following is an entry in ClinVar:

NM_183357.3(ADCY5):c.693_694delinsAA (p.Arg232Ser)

Gene: ADCY5 (adenylate cyclase 5; minus strand). Cytogenetic location: 3q21.1.
Variant type: Indel.
Coding change: c.693_694delinsAA on transcript NM_183357.3 (MANE Select); coding-DNA positions 693 to 694, GC replaced by AA.
Protein change: p.Arg232Ser; replaces arginine 232 with serine.
Molecular consequence: missense variant.
Genome position (GRCh38, 1-based): chr3:123,447,852-123,447,853, GC replaced by TT on the plus strand (GC replaced by AA on the coding strand, the reverse complement: ADCY5 is on the minus strand). VCF-style: chr3-123447852-GC-TT. GRCh37 (hg19) VCF-style: chr3-123166699-GC-TT.
Other names: c.693_694delinsAA, p.Arg232Ser (NM_001378259.1); short protein forms R232S.
Identifiers: ClinVar variation 1716741 (VCV001716741.5), dbSNP rs2473326615, ClinGen allele CA2580068648.

ClinVar aggregate classification (germline): Uncertain significance (1 of 4 stars; one submission).

Submission:

Labcorp Genetics (formerly Invitae), Labcorp
Classification: Uncertain significance. Last evaluated: 2023-12-06. Review status: criteria provided, single submitter. Criteria: Invitae Variant Classification Sherloc (09022015). Collection method: clinical testing. Allele origin: germline.
Comment: This sequence change replaces arginine, which is basic and polar, with serine, which is neutral and polar, at codon 232 of the ADCY5 protein (p.Arg232Ser). Information on the frequency of this variant in the gnomAD database is not available, as this variant may be reported differently in the database. This variant has not been reported in the literature in individuals affected with ADCY5-related conditions. ClinVar contains an entry for this variant (Variation ID: 1716741). Experimental studies and prediction algorithms are not available or were not evaluated, and the functional significance of this variant is currently unknown. In summary, the available evidence is currently insufficient to determine the role of this variant in disease. Therefore, it has been classified as a Variant of Uncertain Significance.